The following is an entry in ClinVar:

ClinVar aggregate classification (germline): Uncertain significance (1 of 4 stars; one submission).

Conditions:
Malignant hyperthermia, susceptibility to, 5 (MHS5). Also called: CACNA1S-Related Malignant Hyperthermia Susceptibility. Identifiers: Orphanet 423, MedGen C1866077, MONDO:0011163, OMIM 601887.

Submission:

All of Us Research Program, National Institutes of Health
Classification: Uncertain significance for Malignant hyperthermia, susceptibility to, 5. Last evaluated: 2023-10-23. Review status: criteria provided, single submitter. Criteria: ACMG Guidelines, 2015. Collection method: clinical testing. Allele origin: germline. Inheritance: Autosomal dominant inheritance. Observed: 1 variant allele, 1 heterozygote.
Comment: This variant deletes 1 nucleotide in exon 22 of the CACNA1S gene, creating a frameshift and premature translation stop signal. This variant is expected to result in an absent or non-functional protein product. To our knowledge, this variant has not been reported in individuals affected with CACNA1S-related disorders in the literature. This variant has not been identified in the general population by the Genome Aggregation Database (gnomAD). Loss of CACNA1S function due to truncation variants is not an established disease mechanism for autosomal dominant malignant hyperthermia. Due to insufficient evidence, this variant is classified as a Variant of Uncertain Significance for autosomal dominant malignant hyperthermia.

This study involves interpretation of variants in research participants for the purpose of population health screening. Participant phenotype was not available at the time of variant classification. Additional details can be found in publication PMID: 35346344, PMCID: PMC8962531

NM_000069.3(CACNA1S):c.2814del (p.Gln939fs)

Gene: CACNA1S (calcium voltage-gated channel subunit alpha1 S; minus strand). Cytogenetic location: 1q32.1.
Variant type: Deletion.
Coding change: c.2814del on transcript NM_000069.3 (MANE Select); coding-DNA position 2814, one base deleted (A; older notation c.2814delA).
Protein change: p.Gln939fs; shifts the reading frame from glutamine 939.
Molecular consequence: frameshift variant.
Genome position (GRCh38, 1-based): chr1:201,065,877, T deleted on the plus strand (A on the coding strand, the reverse complement: CACNA1S is on the minus strand). VCF-style (leftmost placement, unchanged base first): chr1-201065876-GT-G. GRCh37 (hg19) VCF-style: chr1-201035004-GT-G.
Other names: short protein forms Q939fs.
Identifiers: ClinVar variation 3074033 (VCV003074033.1), dbSNP rs2464518368, ClinGen allele CA2825000880.